The following is an entry in ClinVar:

ClinVar aggregate classification (germline): Conflicting classifications of pathogenicity. Review status: criteria provided, conflicting classifications (1 of 4 stars). 3 submissions from 3 submitters: Uncertain significance (2); Likely benign (1). Last evaluated 2025-10-21.

Conditions:
Epidermolysis bullosa simplex 5B, with muscular dystrophy (EBS5B). Also called: Epidermolysis bullosa simplex with muscular dystrophy; EPIDERMOLYSIS BULLOSA SIMPLEX AND LIMB-GIRDLE MUSCULAR DYSTROPHY. Identifiers: Orphanet 257, MedGen C2931072, MONDO:0009181, OMIM 226670.
Autosomal recessive limb-girdle muscular dystrophy type 2Q (LGMDR17). Also called: MUSCULAR DYSTROPHY, LIMB-GIRDLE, AUTOSOMAL RECESSIVE 17. Identifiers: Orphanet 254361, MedGen C3150989, MONDO:0013390, OMIM 613723.
Epidermolysis bullosa simplex with nail dystrophy (EBS5D). Identifiers: MedGen C4225309, MONDO:0014661, OMIM 616487.
Epidermolysis bullosa simplex 5C, with pyloric atresia (EBS5C). Also called: PLEC-Related Epidermolysis Bullosa with Pyloric Atresia; Epidermolysis bullosa simplex with pyloric atresia; PLEC1-Related Epidermolysis Bullosa with Pyloric Atresia. Identifiers: Orphanet 158684, MedGen C2677349, MONDO:0012807, OMIM 612138.
Epidermolysis bullosa simplex, Ogna type (EBS5A). Also called: Pidermolysis bullosa simplex 5A, Ogna type; EPIDERMOLYSIS BULLOSA SIMPLEX 5A, OGNA TYPE. Identifiers: Orphanet 79401, MedGen C0432317, MONDO:0007555, OMIM 131950.
Inborn genetic diseases. Identifiers: MedGen C0950123, MeSH D030342.

Allele frequency attached by ClinVar (database versions not stated): TOPMed 0.00002; gnomAD 0.00004; gnomAD exomes 0.00006; ExAC 0.00008; 1000 Genomes Project 0.00020; 1000 Genomes Project 30x 0.00031.
gnomAD v4.1: 55 of 1,613,582 alleles (0.0034%); highest among the groups gnomAD compares: South Asian, 0.027%; no homozygotes.

Submissions (3):

Labcorp Genetics (formerly Invitae), Labcorp
Classification: Uncertain significance for Autosomal recessive limb-girdle muscular dystrophy type 2Q; Epidermolysis bullosa simplex, Ogna type; Epidermolysis bullosa simplex with nail dystrophy; Epidermolysis bullosa simplex 5C, with pyloric atresia; Epidermolysis bullosa simplex 5B, with muscular dystrophy. Last evaluated: 2025-10-21. Review status: criteria provided, single submitter. Criteria: Invitae Variant Classification Sherloc (09022015). Collection method: clinical testing. Allele origin: germline.
Comment: This sequence change replaces alanine, which is neutral and non-polar, with valine, which is neutral and non-polar, at codon 3573 of the PLEC protein (p.Ala3573Val). This variant is present in population databases (rs533151885, gnomAD 0.04%). This variant has not been reported in the literature in individuals affected with PLEC-related conditions. ClinVar contains an entry for this variant (Variation ID: 967260). An algorithm developed to predict the effect of missense changes on protein structure and function (PolyPhen-2) suggests that this variant is likely to be tolerated. In summary, the available evidence is currently insufficient to determine the role of this variant in disease. Therefore, it has been classified as a Variant of Uncertain Significance.

Revvity Omics, Revvity
Classification: Likely benign. Last evaluated: 2023-09-12. Review status: criteria provided, single submitter. Criteria: ACMG Guidelines, 2015. Collection method: clinical testing. Allele origin: germline.

Ambry Genetics
Classification: Uncertain significance for Inborn genetic diseases. Last evaluated: 2023-03-03. Review status: criteria provided, single submitter. Criteria: Ambry Variant Classification Scheme 2023. Collection method: clinical testing. Allele origin: germline.

NM_201384.3(PLEC):c.10637C>T (p.Ala3546Val)

Gene: PLEC (plectin; minus strand). Cytogenetic location: 8q24.3.
Variant type: single nucleotide variant.
Coding change: c.10637C>T on transcript NM_201384.3 (MANE Select); coding-DNA position 10637, C replaced by T.
Protein change: p.Ala3546Val; replaces alanine 3546 with valine.
Molecular consequence: missense variant.
Genome position (GRCh38, 1-based): chr8:143,919,184, G>A on the plus strand (C>T on the coding strand, the complement: PLEC is on the minus strand). VCF-style: chr8-143919184-G-A. GRCh37 (hg19) VCF-style: chr8-144993352-G-A.
Other names: c.10718C>T, p.Ala3573Val (NM_000445.5); c.10595C>T, p.Ala3532Val (NM_201378.4); c.10571C>T, p.Ala3524Val (NM_201379.3); c.11048C>T, p.Ala3683Val (NM_201380.4); c.10541C>T, p.Ala3514Val (NM_201381.3); c.10637C>T, p.Ala3546Val (NM_201382.4); c.10649C>T, p.Ala3550Val (NM_201383.3); c.10718C>T (NM_000445.3); short protein forms A3532V, A3514V, A3550V, A3683V, A3524V, A3546V, A3573V.
Identifiers: ClinVar variation 967260 (VCV000967260.12), dbSNP rs533151885, ClinGen allele CA4924583.